The following is an entry in ClinVar:

NM_173560.4(RFX6):c.2611G>A (p.Ala871Thr)

Gene: RFX6 (regulatory factor X6; plus strand). Cytogenetic location: 6q22.1.
Variant type: single nucleotide variant.
Coding change: c.2611G>A on transcript NM_173560.4 (MANE Select); coding-DNA position 2611, G replaced by A.
Protein change: p.Ala871Thr; replaces alanine 871 with threonine.
Molecular consequence: missense variant.
Genome position (GRCh38, 1-based): chr6:116,928,971, G>A. VCF-style: chr6-116928971-G-A. GRCh37 (hg19) VCF-style: chr6-117250134-G-A.
Other names: short protein forms A871T.
Identifiers: ClinVar variation 3774222 (VCV003774222.1).

ClinVar aggregate classification (germline): Uncertain significance (1 of 4 stars; one submission).

gnomAD v4.1: 12 of 1,590,628 alleles (0.00075%); highest among the groups gnomAD compares: Non-Finnish European, 0.001%; no homozygotes.

Submission:

GeneDx
Classification: Uncertain significance. Last evaluated: 2024-09-20. Review status: criteria provided, single submitter. Criteria: GeneDx Variant Classification Process June 2021. Collection method: clinical testing. Allele origin: germline. Affected: yes.
Comment: Not observed at significant frequency in large population cohorts (gnomAD); In silico analysis supports a deleterious effect on splicing; In silico analysis indicates that this missense variant does not alter protein structure/function; Has not been previously published as pathogenic or benign to our knowledge